The following is an entry in ClinVar:

NM_005222.4(DLX6):c.291C>T (p.Gly97=)

Genes: DLX6 (distal-less homeobox 6; plus strand), DLX6-AS1 (DLX6 antisense RNA 1; minus strand). Cytogenetic location: 7q21.3.
Variant type: single nucleotide variant.
Coding change: c.291C>T on transcript NM_005222.4 (MANE Select); coding-DNA position 291, C replaced by T.
Protein change: p.Gly97=; no amino-acid change (glycine 97 retained).
Molecular consequence: synonymous variant.
Genome position (GRCh38, 1-based): chr7:97,006,268, C>T. VCF-style: chr7-97006268-C-T. GRCh37 (hg19) VCF-style: chr7-96635580-C-T.
Identifiers: ClinVar variation 3036242 (VCV003036242.2), dbSNP rs1408021135, ClinGen allele CA456861276.

ClinVar aggregate classification (germline): Likely benign (0 of 4 stars; one submission).

Conditions:
DLX6-related disorder. Also called: DLX6-related condition.

Allele frequency attached by ClinVar (database versions not stated): gnomAD 0.00001; TOPMed 0.00003.

Submission:

PreventionGenetics, part of Exact Sciences
Classification: Likely benign for DLX6-related condition. Last evaluated: 2022-12-07. Review status: no assertion criteria provided. Collection method: clinical testing. Allele origin: germline.
Comment: This variant is classified as likely benign based on ACMG/AMP sequence variant interpretation guidelines (Richards et al. 2015 PMID: 25741868, with internal and published modifications).